The following is an entry in ClinVar:

ClinVar aggregate classification (germline): Uncertain significance (1 of 4 stars; one submission).

Submission:

GeneDx
Classification: Uncertain significance. Last evaluated: 2019-08-26. Review status: criteria provided, single submitter. Criteria: GeneDx Variant Classification Process June 2021. Collection method: clinical testing. Allele origin: germline. Affected: yes.
Comment: Not observed in large population cohorts (Lek et al., 2016); In silico analysis, which includes protein predictors and evolutionary conservation, supports that this variant does not alter protein structure/function; Has not been previously published as pathogenic or benign to our knowledge

NM_004281.4(BAG3):c.1201G>A (p.Ala401Thr)

Gene: BAG3 (BAG cochaperone 3; plus strand). Cytogenetic location: 10q26.11.
Variant type: single nucleotide variant.
Coding change: c.1201G>A on transcript NM_004281.4 (MANE Select); coding-DNA position 1201, G replaced by A.
Protein change: p.Ala401Thr; replaces alanine 401 with threonine.
Molecular consequence: missense variant.
Genome position (GRCh38, 1-based): chr10:119,676,755, G>A. VCF-style: chr10-119676755-G-A. GRCh37 (hg19) VCF-style: chr10-121436267-G-A.
Other names: short protein forms A401T.
Identifiers: ClinVar variation 423616 (VCV000423616.3), dbSNP rs1064796532, ClinGen allele CA16618935.